The following is an entry in ClinVar:

ClinVar aggregate classification (germline): Uncertain significance (1 of 4 stars; one submission).

Conditions:
Encephalopathy, acute, infection-induced (herpes-specific), susceptibility to, 1. Also called: Herpes simplex encephalitis, susceptibility to, 1. Identifiers: Orphanet 1930, MedGen C2750180, MONDO:0024563, OMIM 610551.

Allele frequency attached by ClinVar (database versions not stated): gnomAD exomes 0.00007; ExAC 0.00017; gnomAD 0.00014 and 0.00015.

Submission:

Labcorp Genetics (formerly Invitae), Labcorp
Classification: Uncertain significance for Encephalopathy, acute, infection-induced (herpes-specific), susceptibility to, 1. Last evaluated: 2022-07-05. Review status: criteria provided, single submitter. Criteria: Invitae Variant Classification Sherloc (09022015). Collection method: clinical testing. Allele origin: germline.
Comment: This sequence change replaces tyrosine, which is neutral and polar, with cysteine, which is neutral and slightly polar, at codon 436 of the UNC93B1 protein (p.Tyr436Cys). The frequency data for this variant in the population databases is considered unreliable, as metrics indicate poor data quality at this position in the gnomAD database. This variant has not been reported in the literature in individuals affected with UNC93B1-related conditions. ClinVar contains an entry for this variant (Variation ID: 1373817). Experimental studies and prediction algorithms are not available or were not evaluated, and the functional significance of this variant is currently unknown. In summary, the available evidence is currently insufficient to determine the role of this variant in disease. Therefore, it has been classified as a Variant of Uncertain Significance.

NM_030930.4(UNC93B1):c.1307A>G (p.Tyr436Cys)

Gene: UNC93B1 (unc-93B1 regulator of TLR signaling; minus strand). Cytogenetic location: 11q13.2.
Variant type: single nucleotide variant.
Coding change: c.1307A>G on transcript NM_030930.4 (MANE Select); coding-DNA position 1307, A replaced by G.
Protein change: p.Tyr436Cys; replaces tyrosine 436 with cysteine.
Molecular consequence: missense variant.
Genome position (GRCh38, 1-based): chr11:67,995,667, T>C on the plus strand (A>G on the coding strand, the complement: UNC93B1 is on the minus strand). VCF-style: chr11-67995667-T-C. GRCh37 (hg19) VCF-style: chr11-67763138-T-C.
Other names: short protein forms Y436C.
Identifiers: ClinVar variation 1373817 (VCV001373817.3), dbSNP rs3175471, ClinGen allele CA6145421.